The following is an entry in ClinVar:

ClinVar aggregate classification (germline): Conflicting classifications of pathogenicity. Review status: criteria provided, conflicting classifications (1 of 4 stars). 5 submissions from 5 submitters: Uncertain significance (1); Likely benign (3). 1 of the submissions does not count toward it. Last evaluated 2026-01-31.

Conditions:
DYNC1H1-related disorder. Also called: DYNC1H1-related condition; DYNC1H1-related disorders. Identifiers: MedGen CN381529.
Inborn genetic diseases. Identifiers: MedGen C0950123, MeSH D030342.
Charcot-Marie-Tooth disease axonal type 2O. Also called: CHARCOT-MARIE-TOOTH NEUROPATHY, AXONAL, TYPE 2O; CHARCOT-MARIE-TOOTH DISEASE, AXONAL, AUTOSOMAL DOMINANT, TYPE 2O; Charcot-Marie-Tooth Neuropathy Type 2O; Charcot-Marie-Tooth disease, axonal, type 20. Identifiers: Orphanet 284232, MedGen C3280220, MONDO:0013644, OMIM 614228.

Allele frequency attached by ClinVar (database versions not stated): ExAC 0.00002; gnomAD exomes 0.00002 and 0.00005; TOPMed 0.00002; gnomAD 0.00003; 1000 Genomes Project 0.00020; 1000 Genomes Project 30x 0.00031.
gnomAD v4.1: 77 of 1,614,176 alleles (0.0048%); highest among the groups gnomAD compares: Non-Finnish European, 0.0061%; no homozygotes.

Submissions (5):

Labcorp Genetics (formerly Invitae), Labcorp
Classification: Likely benign for Charcot-Marie-Tooth disease axonal type 2O. Last evaluated: 2026-01-31. Review status: criteria provided, single submitter. Criteria: Invitae Variant Classification Sherloc (09022015). Collection method: clinical testing. Allele origin: germline.

Women's Health and Genetics/Laboratory Corporation of America, LabCorp
Classification: Likely benign. Last evaluated: 2024-12-16. Review status: criteria provided, single submitter. Criteria: LabCorp Variant Classification Summary - May 2015. Collection method: clinical testing. Allele origin: germline.
Comment: Variant summary: DYNC1H1 c.12496G>A (p.Val4166Ile) results in a conservative amino acid change in the encoded protein sequence. Three of four in-silico tools predict a benign effect of the variant on protein function. The variant allele was found at a frequency of 4.8e-05 in 1614176 control chromosomes (gnomAD v4). The observed variant frequency is approximately 48 fold of the estimated maximal expected allele frequency for a pathogenic variant in DYNC1H1 causing Charcot-Marie-Tooth disease axonal type 2O phenotype (1e-06). To our knowledge, no experimental evidence demonstrating its impact on protein function have been reported. ClinVar contains an entry for this variant (Variation ID: 569290). Based on the evidence outlined above, the variant was classified as likely benign.

Ambry Genetics
Classification: Likely benign for Inborn genetic diseases. Last evaluated: 2024-04-17. Review status: criteria provided, single submitter. Criteria: Ambry Variant Classification Scheme 2023. Collection method: clinical testing. Allele origin: germline.

CeGaT Center for Human Genetics Tuebingen
Classification: Uncertain significance. Last evaluated: 2020-05-01. Review status: criteria provided, single submitter. Criteria: CeGaT Center For Human Genetics Tuebingen Variant Classification Criteria Version 2. Collection method: clinical testing. Allele origin: germline. Affected: yes. Observed: 1 variant allele.

PreventionGenetics, part of Exact Sciences
Classification: Uncertain significance for DYNC1H1-related condition. Last evaluated: 2024-04-22. Review status: no assertion criteria provided. Collection method: clinical testing. Allele origin: germline. Not counted in ClinVar's aggregate classification.
Comment: The DYNC1H1 c.12496G>A variant is predicted to result in the amino acid substitution p.Val4166Ile. This variant was reported as uncertain significance in an individual with Charcot-Marie-Tooth disease, however no additional evidence supported its pathogenicity (Volodarsky et al. 2021. PubMed ID: 32376792). This variant is reported in 0.0050% of alleles in individuals of East Asian descent in gnomAD. Although we suspect that this variant may be benign, at this time, the clinical significance of this variant is uncertain due to the absence of conclusive functional and genetic evidence.

Literature cited by the submitters: PubMed 32376792 (cited by Ambry Genetics); PubMed 36413997 (cited by Ambry Genetics).

NM_001376.5(DYNC1H1):c.12496G>A (p.Val4166Ile)

Gene: DYNC1H1 (dynein cytoplasmic 1 heavy chain 1; plus strand). Cytogenetic location: 14q32.31.
Variant type: single nucleotide variant.
Coding change: c.12496G>A on transcript NM_001376.5 (MANE Select); coding-DNA position 12496, G replaced by A.
Protein change: p.Val4166Ile; replaces valine 4166 with isoleucine.
Molecular consequence: missense variant.
Genome position (GRCh38, 1-based): chr14:102,042,731, G>A. VCF-style: chr14-102042731-G-A. GRCh37 (hg19) VCF-style: chr14-102509068-G-A.
Other names: short protein forms V4166I.
Identifiers: ClinVar variation 569290 (VCV000569290.48), dbSNP rs202107738, ClinGen allele CA7353939.